The following is an entry in ClinVar:

ClinVar aggregate classification (germline): Uncertain significance (1 of 4 stars; one submission).

Conditions:
Alagille syndrome due to a JAG1 point mutation. Also called: JAG1-Related Alagille Syndrome; HEPATIC DUCTULAR HYPOPLASIA, SYNDROMATIC; Alagille Syndrome 1. Identifiers: Orphanet 261619, Orphanet 52, MedGen C1956125, MONDO:0016862, OMIM 118450.

Submission:

Labcorp Genetics (formerly Invitae), Labcorp
Classification: Uncertain significance for Alagille syndrome 1. Last evaluated: 2019-11-01. Review status: criteria provided, single submitter. Criteria: Invitae Variant Classification Sherloc (09022015). Collection method: clinical testing. Allele origin: germline.
Comment: This sequence change replaces proline with serine at codon 163 of the JAG1 protein (p.Pro163Ser). The proline residue is highly conserved and there is a moderate physicochemical difference between proline and serine. This variant is not present in population databases (ExAC no frequency). This variant has not been reported in the literature in individuals with JAG1-related disease. Algorithms developed to predict the effect of missense changes on protein structure and function (SIFT, PolyPhen-2, Align-GVGD) all suggest that this variant is likely to be disruptive, but these predictions have not been confirmed by published functional studies and their clinical significance is uncertain. Other missense substitutions at this codon (p.Pro163Leu and p.Pro163Arg) have been reported in individuals affected with Alagille syndrome (PMID 10220506, 12497640). In summary, the available evidence is currently insufficient to determine the role of this variant in disease. Therefore, it has been classified as a Variant of Uncertain Significance.

Literature cited by the submitters: PubMed 10220506; PubMed 12497640.

NM_000214.3(JAG1):c.487C>T (p.Pro163Ser)

Gene: JAG1 (jagged canonical Notch ligand 1; minus strand). Cytogenetic location: 20p12.2.
Variant type: single nucleotide variant.
Coding change: c.487C>T on transcript NM_000214.3 (MANE Select); coding-DNA position 487, C replaced by T.
Protein change: p.Pro163Ser; replaces proline 163 with serine.
Molecular consequence: missense variant.
Genome position (GRCh38, 1-based): chr20:10,658,675, G>A on the plus strand (C>T on the coding strand, the complement: JAG1 is on the minus strand). VCF-style: chr20-10658675-G-A. GRCh37 (hg19) VCF-style: chr20-10639323-G-A.
Other names: short protein forms P163S.
Identifiers: ClinVar variation 967648 (VCV000967648.1), dbSNP rs2067394475, ClinGen allele CA408240533.